The following is an entry in ClinVar:

ClinVar aggregate classification (germline): Uncertain significance (1 of 4 stars; one submission).

Conditions:
Congenital muscular dystrophy due to integrin alpha-7 deficiency. Also called: MYOPATHY, CONGENITAL, DUE TO INTEGRIN ALPHA-7 DEFICIENCY; Congenital muscular dystrophy with integrin alpha-7 deficiency; Muscular dystrophy, congenital, due to ITGA7 deficiency. Identifiers: Orphanet 34520, MedGen C2750786, MONDO:0013177, OMIM 613204.

Allele frequency attached by ClinVar (database versions not stated): ExAC 0.00002; gnomAD 0.00002 and 0.00003; gnomAD exomes 0.00003 and 0.00004; TOPMed 0.00005.
gnomAD v4.1: 62 of 1,613,892 alleles (0.0038%); highest among the groups gnomAD compares: Middle Eastern, 0.033%; no homozygotes.

Submission:

Labcorp Genetics (formerly Invitae), Labcorp
Classification: Uncertain significance for Congenital muscular dystrophy due to integrin alpha-7 deficiency. Last evaluated: 2025-12-20. Review status: criteria provided, single submitter. Criteria: Invitae Variant Classification Sherloc (09022015). Collection method: clinical testing. Allele origin: germline.
Comment: This sequence change falls in intron 17 of the ITGA7 gene. It does not directly change the encoded amino acid sequence of the ITGA7 protein. This variant is present in population databases (rs769994283, gnomAD 0.008%). This variant has not been reported in the literature in individuals affected with ITGA7-related conditions. ClinVar contains an entry for this variant (Variation ID: 1384844). Algorithms developed to predict the effect of sequence changes on RNA splicing suggest that this variant may create or strengthen a splice site. In summary, the available evidence is currently insufficient to determine the role of this variant in disease. Therefore, it has been classified as a Variant of Uncertain Significance.

NM_002206.3(ITGA7):c.2357+11C>T

Genes: ITGA7 (integrin subunit alpha 7; minus strand), LOC126861535 (CDK7 strongly-dependent group 2 enhancer GRCh37_chr12:56087579-56088778; plus strand). Cytogenetic location: 12q13.2.
Variant type: single nucleotide variant.
Coding change: c.2357+11C>T on transcript NM_002206.3 (MANE Select); 11 bases into the intron after coding-DNA position 2357, C replaced by T.
Molecular consequence: intron variant.
Genome position (GRCh38, 1-based): chr12:55,694,432, G>A on the plus strand (C>T on the coding strand, the complement: ITGA7 is on the minus strand). VCF-style: chr12-55694432-G-A. GRCh37 (hg19) VCF-style: chr12-56088216-G-A.
Other names: c.2078+11C>T (NM_001144997.2); c.2030+11C>T (NM_001367993.1); c.2018+11C>T (NM_001414035.1); c.2174+11C>T (NM_001414033.1); c.1013+11C>T (NM_001367994.1); c.2237+11C>T (NM_001414032.1); c.2270+11C>T (NM_001414031.1); c.2339+11C>T (NM_001374465.1); and 5 more.
Identifiers: ClinVar variation 1384844 (VCV001384844.6), dbSNP rs769994283, ClinGen allele CA6615643.